The following is an entry in ClinVar:

NM_000642.3(AGL):c.1239T>C (p.Gly413=)

Gene: AGL (amylo-alpha-1,6-glucosidase and 4-alpha-glucanotransferase; plus strand). Cytogenetic location: 1p21.2.
Variant type: single nucleotide variant.
Coding change: c.1239T>C on transcript NM_000642.3 (MANE Select); coding-DNA position 1239, T replaced by C.
Protein change: p.Gly413=; no amino-acid change (glycine 413 retained).
Molecular consequence: synonymous variant. On other transcripts: intron variant (1).
Genome position (GRCh38, 1-based): chr1:99,875,411, T>C. VCF-style: chr1-99875411-T-C. GRCh37 (hg19) VCF-style: chr1-100340967-T-C.
Other names: c.1239T>C, p.Gly413= (NM_000028.3, NM_000643.3, NM_000644.3 and 2 more transcripts); c.1191T>C, p.Gly397= (NM_000646.3); c.1035T>C, p.Gly345= (NM_001425328.1, NM_001425329.1); c.861T>C, p.Gly287= (NM_001425332.1); c.1082+601T>C (NM_001425327.1).
Identifiers: ClinVar variation 4874025 (VCV004874025.2).

ClinVar aggregate classification (germline): Likely benign (1 of 4 stars; one submission).

Submission:

CeGaT Center for Human Genetics Tuebingen
Classification: Likely benign. Last evaluated: 2026-06-01. Review status: criteria provided, single submitter. Criteria: CeGaT Center For Human Genetics Tuebingen Variant Classification Criteria Version 2. Collection method: clinical testing. Allele origin: germline. Affected: yes. Observed: 1 variant allele.
Comment: AGL: PM2:Supporting, BP4, BP7